The following is an entry in ClinVar:

NM_002470.4(MYH3):c.3339+5G>A

Gene: MYH3 (myosin heavy chain 3; minus strand). Cytogenetic location: 17p13.1.
Variant type: single nucleotide variant.
Coding change: c.3339+5G>A on transcript NM_002470.4 (MANE Select); 5 bases into the intron after coding-DNA position 3339, G replaced by A.
Molecular consequence: intron variant.
Genome position (GRCh38, 1-based): chr17:10,638,868, C>T on the plus strand (G>A on the coding strand, the complement: MYH3 is on the minus strand). VCF-style: chr17-10638868-C-T. GRCh37 (hg19) VCF-style: chr17-10542185-C-T.
Identifiers: ClinVar variation 2814609 (VCV002814609.3), dbSNP rs2508595695, ClinGen allele CA2739267141.
Genomic context (GRCh38, chr17:10,638,868, plus strand): 5'-GCAGACAGCACCCAGCTCACTGTAAGTGGCCTCACATGGAAGAGAGAAATGCAGAGGGCT[C>T]CTACCTGCAACTCTTTGATTTTCTTCTGAAACTGGAGGCCCAGTGTCTGCTCATCTTCCA-3'

ClinVar aggregate classification (germline): Uncertain significance (1 of 4 stars; one submission).

Submission:

Labcorp Genetics (formerly Invitae), Labcorp
Classification: Uncertain significance. Last evaluated: 2022-11-16. Review status: criteria provided, single submitter. Criteria: Invitae Variant Classification Sherloc (09022015). Collection method: clinical testing. Allele origin: germline.
Comment: Variants that disrupt the consensus splice site are a relatively common cause of aberrant splicing (PMID: 17576681, 9536098). Algorithms developed to predict the effect of sequence changes on RNA splicing suggest that this variant is not likely to affect RNA splicing. This sequence change falls in intron 26 of the MYH3 gene. It does not directly change the encoded amino acid sequence of the MYH3 protein. It affects a nucleotide within the consensus splice site. This variant is not present in population databases (gnomAD no frequency). This variant has not been reported in the literature in individuals affected with MYH3-related conditions. In summary, the available evidence is currently insufficient to determine the role of this variant in disease. Therefore, it has been classified as a Variant of Uncertain Significance.

Literature cited by the submitters: PubMed 17576681; PubMed 9536098.